The following is an entry in ClinVar:

NM_033225.6(CSMD1):c.7821G>A (p.Thr2607=)

Gene: CSMD1 (CUB and Sushi multiple domains 1; minus strand). Cytogenetic location: 8p23.2.
Variant type: single nucleotide variant.
Coding change: c.7821G>A on transcript NM_033225.6 (MANE Select); coding-DNA position 7821, G replaced by A.
Protein change: p.Thr2607=; no amino-acid change (threonine 2607 retained).
Molecular consequence: synonymous variant.
Genome position (GRCh38, 1-based): chr8:3,029,353, C>T on the plus strand (G>A on the coding strand, the complement: CSMD1 is on the minus strand). VCF-style: chr8-3029353-C-T. GRCh37 (hg19) VCF-style: chr8-2886875-C-T.
Identifiers: ClinVar variation 2658326 (VCV002658326.24), dbSNP rs746936196, ClinGen allele CA4605864.

ClinVar aggregate classification (germline): Likely benign (1 of 4 stars; one submission).

Allele frequency attached by ClinVar (database versions not stated): ExAC 0.00002; gnomAD 0.00004.
gnomAD v4.1: 39 of 1,610,700 alleles (0.0024%); highest among the groups gnomAD compares: Admixed American, 0.012%; no homozygotes.

Submission:

CeGaT Center for Human Genetics Tuebingen
Classification: Likely benign. Last evaluated: 2022-10-01. Review status: criteria provided, single submitter. Criteria: CeGaT Center For Human Genetics Tuebingen Variant Classification Criteria Version 2. Collection method: clinical testing. Allele origin: germline. Affected: yes. Observed: 1 variant allele.
Comment: CSMD1: BP4, BP7